The following is an entry in ClinVar:

NM_000376.3(VDR):c.89G>A (p.Arg30Gln)

Gene: VDR (vitamin D receptor; minus strand). Cytogenetic location: 12q13.11.
Variant type: single nucleotide variant.
Coding change: c.89G>A on transcript NM_000376.3 (MANE Select); coding-DNA position 89, G replaced by A.
Protein change: p.Arg30Gln; replaces arginine 30 with glutamine.
Molecular consequence: missense variant.
Genome position (GRCh38, 1-based): chr12:47,879,025, C>T on the plus strand (G>A on the coding strand, the complement: VDR is on the minus strand). VCF-style: chr12-47879025-C-T. GRCh37 (hg19) VCF-style: chr12-48272808-C-T.
Other names: c.89G>A, p.Arg30Gln (NM_001017535.2, NM_001364085.2, NM_001374661.1 and 1 more transcripts); c.239G>A, p.Arg80Gln (NM_001017536.2); short protein forms R30Q, R80Q.
Identifiers: ClinVar variation 848467 (VCV000848467.8), dbSNP rs373875011, ClinGen allele CA6534082.

ClinVar aggregate classification (germline): Uncertain significance. Review status: criteria provided, multiple submitters, no conflicts (2 of 4 stars). 4 submissions from 4 submitters: Uncertain significance (4). Last evaluated 2024-03-27.

Conditions:
Vitamin D-dependent rickets type II with alopecia (VDDR2A). Also called: GENERALIZED RESISTANCE TO 1,25-DIHYDROXYVITAMIN D; HYPOCALCEMIC VITAMIN D-RESISTANT RICKETS; PDDR IIA; PSEUDOVITAMIN D-DEFICIENCY, TYPE IIA; RICKETS, HEREDITARY VITAMIN D-RESISTANT; RICKETS-ALOPECIA SYNDROME. Identifiers: Orphanet 93160, MedGen C0342646, MONDO:0010186, OMIM 277440.

Allele frequency attached by ClinVar (database versions not stated): ExAC 0.00004; gnomAD 0.00005 and 0.00006; gnomAD exomes 0.00005 and 0.00009; TOPMed 0.00005; ESP Exome Variant Server 0.00008.
gnomAD v4.1: 133 of 1,614,064 alleles (0.0082%); highest among the groups gnomAD compares: Middle Eastern, 0.016%; no homozygotes.

Submissions (4):

Fulgent Genetics
Classification: Uncertain significance for Vitamin D-dependent rickets type II with alopecia. Last evaluated: 2024-03-27. Review status: criteria provided, single submitter. Criteria: ACMG Guidelines, 2015. Collection method: clinical testing. Allele origin: germline.

Intergen Genetics and Rare Diseases Diagnosis Center
Classification: Uncertain significance for Vitamin D-dependent rickets type II with alopecia. Last evaluated: 2023-10-10. Review status: criteria provided, single submitter. Criteria: ACMG Guidelines, 2015. Collection method: clinical testing. Allele origin: germline. Inheritance: Autosomal recessive inheritance. Affected: no. Observed: 1 heterozygote.

Labcorp Genetics (formerly Invitae), Labcorp
Classification: Uncertain significance. Last evaluated: 2022-08-07. Review status: criteria provided, single submitter. Criteria: Invitae Variant Classification Sherloc (09022015). Collection method: clinical testing. Allele origin: germline.
Comment: This sequence change replaces arginine, which is basic and polar, with glutamine, which is neutral and polar, at codon 30 of the VDR protein (p.Arg30Gln). This variant is present in population databases (rs373875011, gnomAD 0.008%). This variant has not been reported in the literature in individuals affected with VDR-related conditions. ClinVar contains an entry for this variant (Variation ID: 848467). Algorithms developed to predict the effect of missense changes on protein structure and function are either unavailable or do not agree on the potential impact of this missense change (SIFT: "Deleterious"; PolyPhen-2: "Benign"; Align-GVGD: "Class C0"). In summary, the available evidence is currently insufficient to determine the role of this variant in disease. Therefore, it has been classified as a Variant of Uncertain Significance.

Blueprint Genetics
Classification: Uncertain significance. Last evaluated: 2021-06-02. Review status: criteria provided, single submitter. Criteria: ACMG Guidelines, 2015. Collection method: clinical testing. Allele origin: germline.